The following is an entry in ClinVar:

NM_130384.3(ATRIP):c.1073C>T (p.Ser358Leu)

Genes: ATRIP (ATR interacting protein; plus strand), ATRIP-TREX1 (ATRIP-TREX1 readthrough; plus strand). Cytogenetic location: 3p21.31.
Variant type: single nucleotide variant.
Coding change: c.1073C>T on transcript NM_130384.3 (MANE Select); coding-DNA position 1073, C replaced by T.
Protein change: p.Ser358Leu; replaces serine 358 with leucine.
Molecular consequence: missense variant. On other transcripts: non-coding transcript variant (1).
Genome position (GRCh38, 1-based): chr3:48,460,127, C>T. VCF-style: chr3-48460127-C-T. GRCh37 (hg19) VCF-style: chr3-48501526-C-T.
Other names: c.692C>T, p.Ser231Leu (NM_001271022.2); c.794C>T, p.Ser265Leu (NM_001271023.2); c.1073C>T, p.Ser358Leu (NM_032166.4); c.1073C>T (NM_130384.1); short protein forms S265L, S231L, S358L.
Identifiers: ClinVar variation 2920152 (VCV002920152.5), dbSNP rs550209443, ClinGen allele CA2376139.
Genomic context (GRCh38, chr3:48,460,127, plus strand): 5'-TCCATCCCACACTTAATCTATTTTTCTTTGTGTTTGTTGCCAGTACCTTGGCTGGAATGT[C>T]AGGCCTCAGGACCACAGGTTCTTATGATGGGTCATTTTCCCTCTCAGCCCTGAGAGAAGC-3'
Protein context (NP_569055.1, residues 348-368): PGFGSTLAGM[Ser358Leu]GLRTTGSYDG

ClinVar aggregate classification (germline): Uncertain significance. Review status: criteria provided, multiple submitters, no conflicts (2 of 4 stars). 2 submissions from 2 submitters: Uncertain significance (2). Last evaluated 2024-12-04.

Allele frequency attached by ClinVar (database versions not stated): TOPMed 0.00003; gnomAD 0.00005; gnomAD exomes 0.00007; 1000 Genomes Project 0.00020; ExAC 0.00020; 1000 Genomes Project 30x 0.00047.
gnomAD v4.1: 108 of 1,611,150 alleles (0.0067%); highest among the groups gnomAD compares: South Asian, 0.1%; no homozygotes.

Submissions (2):

Ambry Genetics
Classification: Uncertain significance. Last evaluated: 2024-12-04. Review status: criteria provided, single submitter. Criteria: Ambry Variant Classification Scheme 2023. Collection method: clinical testing. Allele origin: germline.
Comment: The p.S358L variant (also known as c.1073C>T), located in coding exon 8 of the ATRIP gene, results from a C to T substitution at nucleotide position 1073. The serine at codon 358 is replaced by leucine, an amino acid with dissimilar properties. This amino acid position is conserved. In addition, this alteration is predicted to be tolerated by in silico analysis. Based on the available evidence, the clinical significance of this variant remains unclear.

Labcorp Genetics (formerly Invitae), Labcorp
Classification: Uncertain significance. Last evaluated: 2023-06-20. Review status: criteria provided, single submitter. Criteria: Invitae Variant Classification Sherloc (09022015). Collection method: clinical testing. Allele origin: germline.
Comment: In summary, the available evidence is currently insufficient to determine the role of this variant in disease. Therefore, it has been classified as a Variant of Uncertain Significance. Algorithms developed to predict the effect of missense changes on protein structure and function output the following: SIFT: "Not Available"; PolyPhen-2: "Benign"; Align-GVGD: "Not Available". The leucine amino acid residue is found in multiple mammalian species, which suggests that this missense change does not adversely affect protein function. This variant has not been reported in the literature in individuals affected with ATRIP-related conditions. This variant is present in population databases (rs550209443, gnomAD 0.1%), and has an allele count higher than expected for a pathogenic variant. This sequence change replaces serine, which is neutral and polar, with leucine, which is neutral and non-polar, at codon 358 of the ATRIP protein (p.Ser358Leu).